The following is an entry in ClinVar:

NM_002769.5(PRSS1):c.365G>A (p.Arg122His)

Genes: PRSS1 (serine protease 1; plus strand), TRB (T cell receptor beta locus; plus strand). Cytogenetic location: 7q34.
Variant type: single nucleotide variant.
Coding change: c.365G>A on transcript NM_002769.5 (MANE Select); coding-DNA position 365, G replaced by A.
Protein change: p.Arg122His; replaces arginine 122 with histidine.
Molecular consequence: missense variant.
Genome position (GRCh38, 1-based): chr7:142,751,938, G>A. VCF-style: chr7-142751938-G-A. GRCh37 (hg19) VCF-style: chr7-142459789-G-A.
Other names: PRSS1, ARG122HIS, 365G-A; short protein forms R122H.
Identifiers: ClinVar variation 11876 (VCV000011876.87), dbSNP rs111033565, ClinGen allele CA341151.

ClinVar aggregate classification (germline): Pathogenic/Likely pathogenic. Review status: criteria provided, multiple submitters, no conflicts (2 of 4 stars). 28 submissions from 28 submitters: Pathogenic (22); Likely pathogenic (1). 5 of the submissions do not count toward it. Last evaluated 2026-04-23.

Conditions:
PRSS1-related disorder. Also called: PRSS1-related condition.
Hereditary pancreatitis (PCTT). Also called: Hereditary chronic pancreatitis; PRSS1-Related Hereditary Pancreatitis. Identifiers: Orphanet 676, MedGen C0238339, MONDO:0008185, OMIM 167800.

Allele frequency attached by ClinVar (database versions not stated): ExAC 0.00003; gnomAD exomes 0.00001.

Submissions 1 to 14 of 28:

Dasa
Classification: Pathogenic. Last evaluated: 2026-04-23. Review status: criteria provided, single submitter. Criteria: DASA Assertion Criteria. Collection method: clinical testing. Allele origin: germline.
Comment: NM_002769.5(PRSS1):c.365G>A (p.Arg122His) is a missense variant that results in the substitution of arginine with histidine. The affected residue or protein region has prior evidence supporting clinical relevance. Segregation evidence has been reported in affected families. Functional evidence supports a deleterious effect on the gene or gene product (PMID: 11097832; PMID: 11748242; PMID: 31419436; PMID: 31550238). This variant has been recurrently observed in individuals with related phenotype (PMID: 11097832; PMID: 11748242; PMID: 31419436; PMID: 31550238). Based on the available data, this variant is classified as pathogenic.

Labcorp Genetics (formerly Invitae), Labcorp
Classification: Pathogenic for Hereditary pancreatitis. Last evaluated: 2026-01-26. Review status: criteria provided, single submitter. Criteria: Invitae Variant Classification Sherloc (09022015). Collection method: clinical testing. Allele origin: germline.
Comment: This sequence change replaces arginine, which is basic and polar, with histidine, which is basic and polar, at codon 122 of the PRSS1 protein (p.Arg122His). The frequency data for this variant in the population databases is considered unreliable, as metrics indicate poor data quality at this position in the gnomAD database. This missense change has been observed in individual(s) with HP (PMID: 8841182, 19453252). It has also been observed to segregate with disease in related individuals. This variant is also known as Arg117His or R117H. ClinVar contains an entry for this variant (Variation ID: 11876). Invitae Evidence Modeling of protein sequence and biophysical properties (such as structural, functional, and spatial information, amino acid conservation, physicochemical variation, residue mobility, and thermodynamic stability) indicates that this missense variant is not expected to disrupt PRSS1 protein function with a negative predictive value of 80%. Experimental studies have shown that this missense change affects PRSS1 function (PMID: 11097832, 11748242). This variant disrupts the p.Arg122 amino acid residue in PRSS1. Other variant(s) that disrupt this residue have been determined to be pathogenic (PMID: 19453252). This suggests that this residue is clinically significant, and that variants that disrupt this residue are likely to be disease-causing. For these reasons, this variant has been classified as Pathogenic.

PreventionGenetics, part of Exact Sciences
Classification: Pathogenic for PRSS1-related condition. Last evaluated: 2025-11-17. Review status: criteria provided, single submitter. Criteria: ACMG Guidelines, 2015. Collection method: clinical testing. Allele origin: germline.
Comment: The PRSS1 c.365G>A variant is predicted to result in the amino acid substitution p.Arg122His. This variant, also described as p.Arg117His in earlier publications, has been reported multiple times to be causative for chronic pancreatitis and is one of the most commonly reported causative variants (see for example Whitcomb et al. 1996. PubMed ID: 8841182; Archer et al. 2006. PubMed ID: 17087933). This variant is classified as pathogenic in ClinVar (Variation ID: 11876). We interpret this variant as pathogenic.

Genesolutions, Medical Genetics Institutes, Ho Chi Minh City, Vietnam
Classification: Pathogenic for Hereditary pancreatitis. Last evaluated: 2025-09-24. Review status: criteria provided, single submitter. Criteria: ACMG Guidelines, 2015. Collection method: clinical testing. Allele origin: germline. Affected: yes.

Ambry Genetics
Classification: Pathogenic for Hereditary pancreatitis. Last evaluated: 2025-09-09. Review status: criteria provided, single submitter. Criteria: Ambry Variant Classification Scheme 2023. Collection method: clinical testing. Allele origin: germline.
Comment: The c.365G>A (p.R122H) alteration is located in coding exon 3 of the PRSS1 gene. This alteration results from a G to A substitution at nucleotide position 365, causing the arginine (R) at amino acid position 122 to be replaced by a histidine (H). Based on data from gnomAD, the A allele has an overall frequency of 0.001% (3/282442) total alleles studied. The highest observed frequency was 0.002% (3/128912) of European (non-Finnish) alleles. This mutation is one of the most common mutations observed in families with hereditary pancreatitis. In one study, this mutation was detected in 105/135 (78%) PRSS1 mutation carriers from 50 unrelated families (Rebours, 2009). This amino acid position is not well conserved in available vertebrate species. An in vitro study demonstrated that this mutation results in a markedly higher active trypsin level compared to wild type and is resistant to degradation (Szab&oacute;, 2012). The in silico prediction for this alteration is inconclusive. Based on the available evidence, this alteration is classified as pathogenic.

ARUP Laboratories, Molecular Genetics and Genomics, ARUP Laboratories
Classification: Pathogenic for Hereditary pancreatitis. Last evaluated: 2025-07-29. Review status: criteria provided, single submitter. Criteria: ARUP Molecular Germline Variant Investigation Process 2024. Collection method: clinical testing. Allele origin: germline.
Comment: The PRSS1 c.365G>A; p.Arg122His variant (rs111033565) is reported in the literature as the most common pathogenic variant associated with hereditary pancreatitis (Nemeth and Sahin-Toth 2014). This variant is reported as pathogenic by multiple laboratories in ClinVar (Variation ID: 11876). This variant increases the auto-activation and stability of trypsin, even in the presence of inhibitory factors such as chymotrypsin C (Sahin-Toth 2000, Szabo 2012, Whitcomb 1996), and leads to chronic pancreatic inflammation and acinar cell necrosis in a mouse model (Archer 2006). Based on available information, this variant is considered pathogenic for the development of pancreatitis. References: Archer H et al. A mouse model of hereditary pancreatitis generated by transgenic expression of R122H trypsinogen. Gastroenterology. 2006; 131(6):1844-55. PMID: 17087933. Nemeth BC and Sahin-Toth M. Human cationic trypsinogen (PRSS1) variants and chronic pancreatitis. Am J Physiol Gastrointest Liver Physiol. 2014 Mar;306(6):G466-73. PMID: 24458023. Sahin-Toth M et al. Gain-of-function mutations associated with hereditary pancreatitis enhance autoactivation of human cationic trypsinogen. Biochem Biophys Res Commun. 2000; 278(2):286-9. PMID: 11097832. Szabo A et al. Increased activation of hereditary pancreatitis-associated human cationic trypsinogen mutants in presence of chymotrypsin C. J Biol Chem. 2012; 287(24):20701-10. PMID: 22539344. Whitcomb D et al. Hereditary pancreatitis is caused by a mutation in the cationic trypsinogen gene. Nat Genet. 1996; 14(2):141-5. PMID: 8841182.

Greenwood Genetic Center Diagnostic Laboratories, Greenwood Genetic Center
Classification: Pathogenic for Hereditary pancreatitis. Last evaluated: 2025-03-17. Review status: criteria provided, single submitter. Criteria: ACMG Guidelines, 2015. Collection method: clinical testing. Allele origin: germline. Affected: yes.
Comment: PS3, PM1, PM2, PP1_Moderate

Center for Genomic Medicine, Rigshospitalet, Copenhagen University Hospital
Classification: Pathogenic. Last evaluated: 2025-03-04. Review status: criteria provided, single submitter. Criteria: ACMG Guidelines, 2015. Collection method: clinical testing. Allele origin: germline.

Blueprint Genetics
Classification: Pathogenic for PRSS1-related disorders. Last evaluated: 2024-11-07. Review status: criteria provided, single submitter. Criteria: ACMG Guidelines, 2015. Collection method: clinical testing. Allele origin: germline. Affected: yes. Observed: 5 variant alleles.

3billion
Classification: Pathogenic for Hereditary pancreatitis. Last evaluated: 2024-08-26. Review status: criteria provided, single submitter. Criteria: ACMG Guidelines, 2015. Collection method: clinical testing. Allele origin: germline. Affected: yes.
Comment: The variant is observed at an allele frequency greater than expected for the associated disorder in the gnomAD v4.0.0 dataset and therefore considered benign. Predicted Consequence/Location: Missense changes are a common disease-causing mechanism. Functional studies provide strong evidence of the variant having a damaging effect on the gene or gene product (PMID: 11097832, 11748242, 31419436). The same nucleotide change resulting in the same amino acid change has been previously reported as pathogenic/likely pathogenic with strong evidence (ClinVar ID: VCV000011876 /PMID: 8841182 /3billion dataset). A different missense change at the same codon (p.Arg122Cys) has been reported as pathogenic/likely pathogenic with strong evidence (ClinVar ID: VCV000011883 /PMID: 11788572). Therefore, this variant is classified as Pathogenic according to the recommendation of ACMG/AMP guideline.

Revvity Omics, Revvity
Classification: Likely pathogenic for Hereditary pancreatitis. Last evaluated: 2024-06-13. Review status: criteria provided, single submitter. Criteria: ACMG Guidelines, 2015. Collection method: clinical testing. Allele origin: germline.

Mayo Clinic Laboratories, Mayo Clinic
Classification: Pathogenic. Last evaluated: 2024-04-24. Review status: criteria provided, single submitter. Criteria: ACMG Guidelines, 2015. Collection method: clinical testing. Allele origin: germline. Observed: 19 variant alleles.

Clinical Genetics Laboratory, Skane University Hospital Lund
Classification: Pathogenic. Last evaluated: 2024-02-28. Review status: criteria provided, single submitter. Criteria: ACMG Guidelines, 2015. Collection method: clinical testing. Allele origin: germline. Affected: yes.

Division of Human Genetics, National Health Laboratory Service/University of the Witwatersrand
Classification: Pathogenic for Hereditary pancreatitis. Last evaluated: 2023-07-01. Review status: criteria provided, single submitter. Criteria: ACMG Guidelines, 2015. Collection method: research. Allele origin: germline. Affected: yes.